The following is an entry in ClinVar:

ClinVar aggregate classification (germline): Uncertain significance (1 of 4 stars; one submission).

Submission:

Ambry Genetics
Classification: Uncertain significance. Last evaluated: 2023-08-25. Review status: criteria provided, single submitter. Criteria: Ambry Variant Classification Scheme 2023. Collection method: clinical testing. Allele origin: germline.
Comment: The p.T2566N variant (also known as c.7697C>A), located in coding exon 57 of the PRKDC gene, results from a C to A substitution at nucleotide position 7697. The threonine at codon 2566 is replaced by asparagine, an amino acid with similar properties. This amino acid position is conserved. Since supporting evidence is limited at this time, the clinical significance of this alteration remains unclear.

NM_006904.7(PRKDC):c.7697C>A (p.Thr2566Asn)

Gene: PRKDC (protein kinase, DNA-activated, catalytic subunit; minus strand). Cytogenetic location: 8q11.21.
Variant type: single nucleotide variant.
Coding change: c.7697C>A on transcript NM_006904.7 (MANE Select); coding-DNA position 7697, C replaced by A.
Protein change: p.Thr2566Asn; replaces threonine 2566 with asparagine.
Molecular consequence: missense variant.
Genome position (GRCh38, 1-based): chr8:47,837,276, G>T on the plus strand (C>A on the coding strand, the complement: PRKDC is on the minus strand). VCF-style: chr8-47837276-G-T. GRCh37 (hg19) VCF-style: chr8-48749837-G-T.
Other names: c.7697C>A, p.Thr2566Asn (NM_001081640.2); short protein forms T2566N.
Identifiers: ClinVar variation 2626355 (VCV002626355.2), dbSNP rs2551867499, ClinGen allele CA371152731.